The following is an entry in ClinVar:

ClinVar aggregate classification (germline): Benign. Review status: criteria provided, multiple submitters, no conflicts (2 of 4 stars). 5 submissions from 3 submitters: Benign (5). Last evaluated 2018-07-09.

Conditions:
Myhre syndrome (MYHRS). Also called: LARYNGOTRACHEAL STENOSIS, ARTHROPATHY, PROGNATHISM, AND SHORT STATURE; LAPS SYNDROME. Identifiers: Orphanet 2588, MedGen C0796081, MONDO:0007688, OMIM 139210.
Generalized juvenile polyposis/juvenile polyposis coli. Also called: Juvenile polyposis coli. Identifiers: Orphanet 329971, MedGen C1868081, MONDO:0008276.
Juvenile polyposis/hereditary hemorrhagic telangiectasia syndrome (JPHT). Also called: JP/HHT SYNDROME; JUVENILE POLYPOSIS WITH HEREDITARY HEMORRHAGIC TELANGIECTASIA; POLYPOSIS, GENERALIZED JUVENILE, WITH PULMONARY ARTERIOVENOUS MALFORMATION; TELANGIECTASIA, HEREDITARY HEMORRHAGIC, WITH JUVENILE POLYPOSIS COLI; Juvenile Polyposis Syndrome / Hereditary Hemorrhagic Telangiectasia (JPS/HHT). Identifiers: Orphanet 2929, MedGen C1832942, MONDO:0008278, OMIM 175050.

Allele frequency attached by ClinVar (database versions not stated): 1000 Genomes Project 0.01118; 1000 Genomes Project 30x 0.01218; gnomAD 0.02718 and 0.02819; TOPMed 0.02767; gnomAD exomes 0.03198.
gnomAD v4.1: 6,780 of 233,440 alleles (2.9%); highest among the groups gnomAD compares: Non-Finnish European, 4.1%; 142 homozygotes.

Submissions (5):

ARUP Laboratories, Molecular Genetics and Genomics, ARUP Laboratories
Classification: Benign. Last evaluated: 2018-07-09. Review status: criteria provided, single submitter. Criteria: ARUP Molecular Germline Variant Investigation Process. Collection method: clinical testing. Allele origin: germline.

Illumina Laboratory Services, Illumina
Classification: Benign for Juvenile polyposis syndrome. Last evaluated: 2018-01-13. Review status: criteria provided, single submitter. Criteria: ICSL Variant Classification Criteria 13 December 2019. Collection method: clinical testing. Allele origin: germline.
Comment: This variant was observed in the ICSL laboratory as part of a predisposition screen in an ostensibly healthy population. It had not been previously curated by ICSL or reported in the Human Gene Mutation Database (HGMD: prior to June 1st, 2018), and was therefore a candidate for classification through an automated scoring system. Utilizing variant allele frequency, disease prevalence and penetrance estimates, and inheritance mode, an automated score was calculated to assess if this variant is too frequent to cause the disease. Based on the score and internal cut-off values, a variant classified as benign is not then subjected to further curation. The score for this variant resulted in a classification of benign for this disease.

Illumina Laboratory Services, Illumina
Classification: Benign for Juvenile polyposis/hereditary hemorrhagic telangiectasia syndrome. Last evaluated: 2018-01-13. Review status: criteria provided, single submitter. Criteria: ICSL Variant Classification Criteria 13 December 2019. Collection method: clinical testing. Allele origin: germline.
Comment: the same text as in the submission from Illumina Laboratory Services, Illumina above.

Illumina Laboratory Services, Illumina
Classification: Benign for Myhre syndrome. Last evaluated: 2018-01-13. Review status: criteria provided, single submitter. Criteria: ICSL Variant Classification Criteria 13 December 2019. Collection method: clinical testing. Allele origin: germline.
Comment: the same text as in the submission from Illumina Laboratory Services, Illumina above.

Breakthrough Genomics
Classification: Benign. Review status: criteria provided, single submitter. Criteria: ACMG Guidelines, 2015. Collection method: not provided. Allele origin: germline. Inheritance: Autosomal dominant inheritance. Affected: yes.

NM_005359.6(SMAD4):c.*1179T>C

Gene: SMAD4 (SMAD family member 4; plus strand). Cytogenetic location: 18q21.2.
Variant type: single nucleotide variant.
Coding change: c.*1179T>C on transcript NM_005359.6 (MANE Select); 1179 bases downstream of the stop codon, T replaced by C.
Molecular consequence: 3 prime UTR variant.
Genome position (GRCh38, 1-based): chr18:51,079,646, T>C. VCF-style: chr18-51079646-T-C. GRCh37 (hg19) VCF-style: chr18-48606016-T-C.
Identifiers: ClinVar variation 327125 (VCV000327125.13), dbSNP rs10470, ClinGen allele CA10641661.